The following is an entry in ClinVar:

NM_001128178.3(NPHP1):c.349G>T (p.Glu117Ter)

Gene: NPHP1 (nephrocystin 1; minus strand). Cytogenetic location: 2q13.
Variant type: single nucleotide variant.
Coding change: c.349G>T on transcript NM_001128178.3 (MANE Select); coding-DNA position 349, G replaced by T.
Protein change: p.Glu117Ter; replaces glutamic acid 117 with a stop codon.
Molecular consequence: nonsense.
Genome position (GRCh38, 1-based): chr2:110,169,979, C>A on the plus strand (G>T on the coding strand, the complement: NPHP1 is on the minus strand). VCF-style: chr2-110169979-C-A. GRCh37 (hg19) VCF-style: chr2-110927556-C-A.
Other names: c.349G>T, p.Glu117Ter (NM_000272.5, NM_001374256.1, NM_001374257.1 and 1 more transcripts); c.163G>T, p.Glu55Ter (NM_001128179.3); short protein forms E117*, E55*.
Identifiers: ClinVar variation 3382874 (VCV003382874.2).

ClinVar aggregate classification (germline): Pathogenic (1 of 4 stars; one submission).

Conditions:
Nephronophthisis 1 (NPHP1). Also called: Nephronophthisis familial juvenile. Identifiers: Orphanet 655, Orphanet 93592, MedGen C1855681, MONDO:0009728, OMIM 256100.
Joubert syndrome with renal defect. Also called: JOUBERT SYNDROME 4. Identifiers: Orphanet 220497, MedGen C1846790, MONDO:0012308, OMIM 609583.
Senior-Loken syndrome 1 (SLSN1). Also called: JUVENILE NEPHRONOPHTHISIS WITH LEBER AMAUROSIS. Identifiers: Orphanet 3156, MedGen C4551559, MONDO:0009962, OMIM 266900.

Submission:

Juno Genomics, Hangzhou Juno Genomics, Inc
Classification: Pathogenic for Joubert syndrome with renal defect; Nephronophthisis 1; Senior-Loken syndrome 1. Review status: criteria provided, single submitter. Criteria: ACMG Guidelines, 2015. Collection method: clinical testing. Allele origin: germline. Affected: yes.
Comment: Null variant in a gene where loss of function (LOF) is a known mechanism of disease.;Absent from controls (or at extremely low frequency if recessive) in Genome Aggregation Database, Exome Sequencing Project, 1000 Genomes Project, or Exome Aggregation Consortium.;Patient's phenotype or family history is highly specific for a disease with a single genetic etiology.;For recessive disorders, detected in trans with a pathogenic variant.